The following is an entry in ClinVar:

NM_004006.3(DMD):c.8069T>G (p.Leu2690Ter)

Gene: DMD (dystrophin; minus strand). Cytogenetic location: Xp21.1.
Variant type: single nucleotide variant.
Coding change: c.8069T>G on transcript NM_004006.3 (MANE Select); coding-DNA position 8069, T replaced by G.
Protein change: p.Leu2690Ter; replaces leucine 2690 with a stop codon.
Molecular consequence: nonsense.
Genome position (GRCh38, 1-based): chrX:31,627,821, A>C on the plus strand (T>G on the coding strand, the complement: DMD is on the minus strand). VCF-style: chrX-31627821-A-C. GRCh37 (hg19) VCF-style: chrX-31645938-A-C.
Other names: NP_003997.1:p.Leu2690*; c.689T>G, p.Leu230Ter (NM_004013.3, NM_004020.4, NM_004021.3 and 2 more transcripts); c.8045T>G, p.Leu2682Ter (NM_000109.4); c.8057T>G, p.Leu2686Ter (NM_004009.3); c.7700T>G, p.Leu2567Ter (NM_004010.3); c.4046T>G, p.Leu1349Ter (NM_004011.4); c.4037T>G, p.Leu1346Ter (NM_004012.4); short protein forms L2690*, L1346*, L2682*, L230*, L1349*, L2567*, L2686*.
Identifiers: ClinVar variation 94786 (VCV000094786.7), dbSNP rs398124061, ClinGen allele CA267155.

ClinVar aggregate classification (germline): Pathogenic. Review status: criteria provided, multiple submitters, no conflicts (2 of 4 stars). 3 submissions from 3 submitters: Pathogenic (3). Last evaluated 2025-12-29.

Conditions:
Duchenne muscular dystrophy (DMD). Also called: MUSCULAR DYSTROPHY, PSEUDOHYPERTROPHIC PROGRESSIVE, DUCHENNE TYPE; Duchenne Muscular Dystrophy (DMD). Identifiers: Orphanet 98896, MedGen C0013264, MONDO:0010679, OMIM 310200.
Becker muscular dystrophy (BMD). Also called: MUSCULAR DYSTROPHY, PSEUDOHYPERTROPHIC PROGRESSIVE, BECKER TYPE; Becker Muscular Dystrophy (BMD). Identifiers: Orphanet 98895, MedGen C0917713, MONDO:0010311, OMIM 300376.
Dilated cardiomyopathy 3B (CMD3B). Also called: CMD3B: DMD-Related Dilated Cardiomyopathy; CARDIOMYOPATHY, DILATED, X-LINKED; DMD-Associated Dilated Cardiomyopathy. Identifiers: Orphanet 154, MedGen C3668940, MONDO:0010542, OMIM 302045.
Progressive muscular dystrophy. Identifiers: Orphanet 206644, MedGen C4551827, MONDO:0016106.

Submissions (3):

Myriad Genetics, Inc.
Classification: Pathogenic for Progressive muscular dystrophy. Last evaluated: 2025-12-29. Review status: criteria provided, single submitter. Criteria: Myriad Autosomal Dominant, Autosomal Recessive and X-Linked Classification Criteria (2023). Collection method: clinical testing. Allele origin: unknown.
Comment: NM_004006.2(DMD):c.8069T>G(L2690*) is a nonsense variant classified as pathogenic in the context of dystrophinopathy (including Duchenne/Becker muscular dystrophy). L2690* has been observed in a case with relevant disease (PMID: 28116794). Relevant functional assessments of this variant are not available in the literature. L2690* has not been observed in referenced population frequency databases. In summary, NM_004006.2(DMD):c.8069T>G(L2690*) is a nonsense variant in a gene where loss of function is a known mechanism of disease, is predicted to disrupt protein function, and has been observed more frequently in cases with the relevant disease than in healthy populations. Please note: this variant was assessed in the context of healthy population screening.

Eurofins Ntd Llc (ga)
Classification: Pathogenic. Last evaluated: 2016-02-03. Review status: criteria provided, single submitter. Criteria: EGL Classification Definitions 2015. Collection method: clinical testing. Allele origin: germline. Observed: 3 variant alleles, 1 heterozygote, 2 hemizygotes.

Juno Genomics, Hangzhou Juno Genomics, Inc
Classification: Pathogenic for Becker muscular dystrophy; Dilated cardiomyopathy 3B; Duchenne muscular dystrophy. Review status: criteria provided, single submitter. Criteria: ACMG Guidelines, 2015. Collection method: clinical testing. Allele origin: germline. Affected: yes.
Comment: Absent from controls (or at extremely low frequency if recessive) in Genome Aggregation Database.;Null variant in a gene where loss of function (LOF) is a known mechanism of disease.;The prevalence of the variant in affected individuals is significantly increased compared to the prevalence in controls.

Literature cited by the submitters: PubMed 28116794 (cited by Myriad Genetics, Inc.).